The following is an entry in ClinVar:

NM_001014342.3(FLG2):c.6024C>T (p.Gly2008=)

Genes: CCDST (cervical cancer associated DHX9 suppressive transcript; plus strand), FLG2 (filaggrin 2; minus strand). Cytogenetic location: 1q21.3.
Variant type: single nucleotide variant.
Coding change: c.6024C>T on transcript NM_001014342.3 (MANE Select); coding-DNA position 6024, C replaced by T.
Protein change: p.Gly2008=; no amino-acid change (glycine 2008 retained).
Molecular consequence: synonymous variant.
Genome position (GRCh38, 1-based): chr1:152,351,762, G>A on the plus strand (C>T on the coding strand, the complement: FLG2 is on the minus strand). VCF-style: chr1-152351762-G-A. GRCh37 (hg19) VCF-style: chr1-152324238-G-A.
Identifiers: ClinVar variation 3250751 (VCV003250751.18), dbSNP rs561751342.

ClinVar aggregate classification (germline): Likely benign (1 of 4 stars; one submission).

Allele frequency attached by ClinVar (database versions not stated): ExAC 0.00012; 1000 Genomes Project 30x 0.00047; 1000 Genomes Project 0.00080.

Submission:

CeGaT Center for Human Genetics Tuebingen
Classification: Likely benign. Last evaluated: 2024-07-01. Review status: criteria provided, single submitter. Criteria: CeGaT Center For Human Genetics Tuebingen Variant Classification Criteria Version 2. Collection method: clinical testing. Allele origin: germline. Affected: yes. Observed: 1 variant allele.
Comment: FLG2: BP4, BP7